The following is an entry in ClinVar:

ClinVar aggregate classification (germline): Likely benign (1 of 4 stars; one submission).

Conditions:
Breast-ovarian cancer, familial, susceptibility to, 4. Identifiers: Orphanet 145, MedGen C3280345, MONDO:0013669, OMIM 614291.

Submission:

Myriad Genetics, Inc.
Classification: Likely benign for Breast-ovarian cancer, familial, susceptibility to, 4. Last evaluated: 2025-02-24. Review status: criteria provided, single submitter. Criteria: Myriad Autosomal Dominant, Autosomal Recessive and X-Linked Classification Criteria (2023). Collection method: clinical testing. Allele origin: unknown.
Comment: This variant is considered likely benign. This variant is intronic and is not expected to impact mRNA splicing.

NM_002878.4(RAD51D):c.576+9G>C

Genes: RAD51D (RAD51 paralog D; minus strand), RAD51L3-RFFL (RAD51L3-RFFL readthrough; minus strand). Cytogenetic location: 17q12.
Variant type: single nucleotide variant.
Coding change: c.576+9G>C on transcript NM_002878.4 (MANE Select); 9 bases into the intron after coding-DNA position 576, G replaced by C.
Molecular consequence: intron variant.
Genome position (GRCh38, 1-based): chr17:35,106,377, C>G on the plus strand (G>C on the coding strand, the complement: RAD51D is on the minus strand). VCF-style: chr17-35106377-C-G. GRCh37 (hg19) VCF-style: chr17-33433396-C-G.
Other names: c.240+9G>C (NM_133629.3); c.636+9G>C (NM_001142571.2).
Identifiers: ClinVar variation 3903502 (VCV003903502.1).